The following is an entry in ClinVar:

NM_003072.5(SMARCA4):c.4769-3C>T

Gene: SMARCA4 (SWI/SNF related BAF chromatin remodeling complex subunit ATPase 4; plus strand). Cytogenetic location: 19p13.2.
Variant type: single nucleotide variant.
Coding change: c.4769-3C>T on transcript NM_003072.5 (MANE Select); 3 bases into the intron before coding-DNA position 4769, C replaced by T.
Molecular consequence: intron variant.
Genome position (GRCh38, 1-based): chr19:11,060,042, C>T. VCF-style: chr19-11060042-C-T. GRCh37 (hg19) VCF-style: chr19-11170718-C-T.
Other names: c.4769-3C>T (NM_001128844.3); c.4865-3C>T (NM_001128849.3, NM_001387283.1); c.4670-3C>T (NM_001128847.4, NM_001374457.1); c.4766-3C>T (NM_001411150.1); c.4679-3C>T (NM_001128845.2); c.4676-3C>T (NM_001128846.2); c.4667-3C>T (NM_001128848.2).
Identifiers: ClinVar variation 3233131 (VCV003233131.2), dbSNP rs2515817721, ClinGen allele CA2582468602.

ClinVar aggregate classification (germline): Uncertain significance. Review status: criteria provided, multiple submitters, no conflicts (2 of 4 stars). 2 submissions from 2 submitters: Uncertain significance (2). Last evaluated 2025-06-13.

Conditions:
Hereditary cancer-predisposing syndrome. Also called: Neoplastic Syndromes, Hereditary; Tumor predisposition; Hereditary neoplastic syndrome; Hereditary Cancer Syndrome. Identifiers: Orphanet 140162, MedGen C0027672, MeSH D009386, MONDO:0015356.
Rhabdoid tumor predisposition syndrome 2 (RTPS2). Identifiers: Orphanet 231108, Orphanet 69077, MedGen C2750074, MONDO:0013224, OMIM 613325.

Allele frequency attached by ClinVar (database versions not stated): gnomAD exomes 0.00001.

Submissions (2):

Labcorp Genetics (formerly Invitae), Labcorp
Classification: Uncertain significance for Rhabdoid tumor predisposition syndrome 2. Last evaluated: 2025-06-13. Review status: criteria provided, single submitter. Criteria: Invitae Variant Classification Sherloc (09022015). Collection method: clinical testing. Allele origin: germline.
Comment: This sequence change falls in intron 34 of the SMARCA4 gene. It does not directly change the encoded amino acid sequence of the SMARCA4 protein. It affects a nucleotide within the consensus splice site. This variant is not present in population databases (gnomAD no frequency). This variant has not been reported in the literature in individuals affected with SMARCA4-related conditions. ClinVar contains an entry for this variant (Variation ID: 3233131). Variants that disrupt the consensus splice site are a relatively common cause of aberrant splicing (PMID: 17576681, 9536098). Algorithms developed to predict the effect of sequence changes on RNA splicing suggest that this variant is not likely to affect RNA splicing. In summary, the available evidence is currently insufficient to determine the role of this variant in disease. Therefore, it has been classified as a Variant of Uncertain Significance.

Ambry Genetics
Classification: Uncertain significance for Hereditary cancer-predisposing syndrome. Last evaluated: 2023-11-18. Review status: criteria provided, single submitter. Criteria: Ambry Variant Classification Scheme 2023. Collection method: clinical testing. Allele origin: germline.
Comment: The c.4865-3C>T intronic variant results from a C to T substitution 3 nucleotides upstream from coding exon 34 in the SMARCA4 gene. This nucleotide position is not well conserved in available vertebrate species. In silico splice site analysis predicts that this alteration will not have any significant effect on splicing. Since supporting evidence is limited at this time, the clinical significance of this alteration remains unclear.

Literature cited by the submitters: PubMed 17576681 (cited by Labcorp Genetics (formerly Invitae), Labcorp); PubMed 9536098 (cited by Labcorp Genetics (formerly Invitae), Labcorp).